The following is an entry in ClinVar:

NM_001267550.2(TTN):c.102590_102591del (p.Lys34197fs)

Genes: TTN (titin; minus strand), TTN-AS1 (TTN antisense RNA 1; plus strand). Cytogenetic location: 2q31.2.
Variant type: Deletion.
Coding change: c.102590_102591del on transcript NM_001267550.2 (MANE Select); coding-DNA positions 102590 to 102591, 2 bases deleted (AA; older notation c.102590_102591delAA).
Protein change: p.Lys34197fs; shifts the reading frame from lysine 34197.
Molecular consequence: frameshift variant.
Genome position (GRCh38, 1-based): chr2:178,534,024-178,534,025, TT deleted on the plus strand (AA on the coding strand, the reverse complement: TTN is on the minus strand); deleting any 2 consecutive bases within chr2:178,534,024-178,534,026 gives the same sequence; the c. name uses the placement nearest the transcript's 3' end. VCF-style (leftmost placement, unchanged base first): chr2-178534023-CTT-C. GRCh37 (hg19) VCF-style: chr2-179398750-CTT-C.
Other names: p.Lys31629Argfs*7; c.97667_97668del, p.Lys32556fs (NM_001256850.1); c.75395_75396del, p.Lys25132fs (NM_003319.4); c.94886_94887del, p.Lys31629fs (NM_133378.4); c.75770_75771del, p.Lys25257fs (NM_133432.3); c.75971_75972del, p.Lys25324fs (NM_133437.4); short protein forms K25132fs, K25257fs, K31629fs, K32556fs, K25324fs, K34197fs.
Identifiers: ClinVar variation 4540697 (VCV004540697.1).

ClinVar aggregate classification (germline): Likely pathogenic (1 of 4 stars; one submission).

Submission:

Mayo Clinic Laboratories, Mayo Clinic
Classification: Likely pathogenic. Last evaluated: 2025-09-11. Review status: criteria provided, single submitter. Criteria: ACMG Guidelines, 2015. Collection method: clinical testing. Allele origin: germline. Observed: 1 variant allele.
Comment: PM2_supporting, PVS1